The following is an entry in ClinVar:

NM_000069.3(CACNA1S):c.5476G>A (p.Glu1826Lys)

Gene: CACNA1S (calcium voltage-gated channel subunit alpha1 S; minus strand). Cytogenetic location: 1q32.1.
Variant type: single nucleotide variant.
Coding change: c.5476G>A on transcript NM_000069.3 (MANE Select); coding-DNA position 5476, G replaced by A.
Protein change: p.Glu1826Lys; replaces glutamic acid 1826 with lysine.
Molecular consequence: missense variant.
Genome position (GRCh38, 1-based): chr1:201,039,977, C>T on the plus strand (G>A on the coding strand, the complement: CACNA1S is on the minus strand). VCF-style: chr1-201039977-C-T. GRCh37 (hg19) VCF-style: chr1-201009105-C-T.
Other names: short protein forms E1826K.
Identifiers: ClinVar variation 3071845 (VCV003071845.2), dbSNP rs2464386884, ClinGen allele CA344129026.

ClinVar aggregate classification (germline): Uncertain significance (1 of 4 stars; one submission).

Conditions:
Malignant hyperthermia, susceptibility to, 5 (MHS5). Also called: CACNA1S-Related Malignant Hyperthermia Susceptibility. Identifiers: Orphanet 423, MedGen C1866077, MONDO:0011163, OMIM 601887.

Allele frequency attached by ClinVar (database versions not stated): gnomAD exomes below 0.00001.
gnomAD v4.1: 1 of 1,614,242 alleles (0.000062%); highest among the groups gnomAD compares: Admixed American, 0.0017%; no homozygotes.

Submission:

All of Us Research Program, National Institutes of Health
Classification: Uncertain significance for Malignant hyperthermia, susceptibility to, 5. Last evaluated: 2024-07-20. Review status: criteria provided, single submitter. Criteria: ACMG Guidelines, 2015. Collection method: clinical testing. Allele origin: germline. Inheritance: Autosomal dominant inheritance. Observed: 2 variant alleles, 2 heterozygotes.
Comment: This missense variant replaces glutamic acid with lysine at codon 1826 of the CACNA1S protein. Computational prediction suggests that this variant may not impact protein structure and function (internally defined REVEL score threshold <= 0.5, PMID: 27666373). To our knowledge, functional studies have not been reported for this variant. This variant has not been reported in individuals affected with CACNA1S-related disorders in the literature. This variant has not been identified in the general population by the Genome Aggregation Database (gnomAD). The available evidence is insufficient to determine the role of this variant in disease conclusively. Therefore, this variant is classified as a Variant of Uncertain Significance.

This study involves interpretation of variants in research participants for the purpose of population health screening. Participant phenotype was not available at the time of variant classification. Additional details can be found in publication PMID: 35346344, PMCID: PMC8962531